The following is an entry in ClinVar:

ClinVar aggregate classification (germline): Likely benign (1 of 4 stars; one submission).

Allele frequency attached by ClinVar (database versions not stated): gnomAD exomes below 0.00001; TOPMed below 0.00001; ExAC 0.00001; gnomAD 0.00001.
gnomAD v4.1: 6 of 1,614,072 alleles (0.00037%); highest among the groups gnomAD compares: Non-Finnish European, 0.00051%; no homozygotes.

Submission:

CeGaT Center for Human Genetics Tuebingen
Classification: Likely benign. Last evaluated: 2022-12-01. Review status: criteria provided, single submitter. Criteria: CeGaT Center For Human Genetics Tuebingen Variant Classification Criteria Version 2. Collection method: clinical testing. Allele origin: germline. Affected: yes. Observed: 1 variant allele.
Comment: BRPF1: BP4, BP7

NM_001003694.2(BRPF1):c.3537G>A (p.Lys1179=)

Gene: BRPF1 (bromodomain and PHD finger containing 1; plus strand). Cytogenetic location: 3p25.3.
Variant type: single nucleotide variant.
Coding change: c.3537G>A on transcript NM_001003694.2 (MANE Select); coding-DNA position 3537, G replaced by A.
Protein change: p.Lys1179=; no amino-acid change (lysine 1179 retained).
Molecular consequence: synonymous variant. On other transcripts: non-coding transcript variant (1).
Genome position (GRCh38, 1-based): chr3:9,747,223, G>A. VCF-style: chr3-9747223-G-A. GRCh37 (hg19) VCF-style: chr3-9788907-G-A.
Other names: c.3234G>A, p.Lys1078= (NM_001319049.2); c.3516G>A, p.Lys1172= (NM_001319050.2); c.3534G>A, p.Lys1178= (NM_001410704.1); c.3519G>A, p.Lys1173= (NM_004634.3).
Identifiers: ClinVar variation 2653499 (VCV002653499.24), dbSNP rs764113288, ClinGen allele CA2242425.